The following is an entry in ClinVar:

ClinVar aggregate classification (germline): Pathogenic (1 of 4 stars; one submission).

Conditions:
Hereditary breast ovarian cancer syndrome. Also called: BRCA1- and BRCA2-Associated Hereditary Breast and Ovarian Cancer; Hereditary breast and ovarian cancer syndrome (HBOC); Hereditary breast and ovarian cancer syndrome; Hereditary breast and ovarian cancer; Breast and ovarian cancer; Hereditary breast and/or ovarian cancer syndrome. Identifiers: Orphanet 145, MedGen C0677776, MeSH D061325, MONDO:0003582. Disease mechanism: loss of function.

Submission:

Labcorp Genetics (formerly Invitae), Labcorp
Classification: Pathogenic for Hereditary breast ovarian cancer syndrome. Last evaluated: 2021-02-11. Review status: criteria provided, single submitter. Criteria: Invitae Variant Classification Sherloc (09022015). Collection method: clinical testing. Allele origin: germline.
Comment: For these reasons, this variant has been classified as Pathogenic. This variant has not been reported in the literature in individuals with BRCA2-related conditions. This variant is not present in population databases (ExAC no frequency). This sequence change creates a premature translational stop signal (p.Gly1892Glnfs*18) in the BRCA2 gene. It is expected to result in an absent or disrupted protein product. Loss-of-function variants in BRCA2 are known to be pathogenic (PMID: 20104584).

Literature cited by the submitters: PubMed 20104584.

NM_000059.4(BRCA2):c.5671_5672dup (p.Gly1892fs)

Gene: BRCA2 (BRCA2 DNA repair associated; plus strand). Cytogenetic location: 13q13.1.
Variant type: Duplication.
Coding change: c.5671_5672dup on transcript NM_000059.4 (MANE Select); coding-DNA positions 5671 to 5672, 2 bases duplicated (GC; older notation c.5671_5672dupGC).
Protein change: p.Gly1892fs; shifts the reading frame from glycine 1892.
Molecular consequence: frameshift variant.
Genome position (GRCh38, 1-based): chr13:32,340,026-32,340,027, GC duplicated. VCF-style (leftmost placement, unchanged base first): chr13-32340025-G-GGC. GRCh37 (hg19) VCF-style: chr13-32914162-G-GGC.
Other names: short protein forms G1892fs.
Identifiers: ClinVar variation 1392562 (VCV001392562.6), dbSNP rs2137519767, ClinGen allele CA2573149375.